The following is an entry in ClinVar:

NM_006206.6(PDGFRA):c.784G>A (p.Glu262Lys)

Gene: PDGFRA (platelet derived growth factor receptor alpha; plus strand). Cytogenetic location: 4q12.
Variant type: single nucleotide variant.
Coding change: c.784G>A on transcript NM_006206.6 (MANE Select); coding-DNA position 784, G replaced by A.
Protein change: p.Glu262Lys; replaces glutamic acid 262 with lysine.
Molecular consequence: missense variant.
Genome position (GRCh38, 1-based): chr4:54,267,313, G>A. VCF-style: chr4-54267313-G-A. GRCh37 (hg19) VCF-style: chr4-55133480-G-A.
Other names: c.784G>A, p.Glu262Lys (NM_001347827.2, NM_001347829.2); c.859G>A, p.Glu287Lys (NM_001347828.2); c.823G>A, p.Glu275Lys (NM_001347830.2); short protein forms E262K, E287K, E275K.
Identifiers: ClinVar variation 528557 (VCV000528557.10), dbSNP rs376265745, ClinGen allele CA356891100.
Genomic context (GRCh38, chr4:54,267,313, plus strand): 5'-TTTTTAAAAGTCGGTTTTCTTCCCCTTTTGCTGTAGAAAGGCAAAGGCATCACAATGCTG[G>A]AAGAAATCAAAGTCCCATCCATCAAATTGGTGTACACTTTGACGGTCCCCGAGGCCACGG-3'
Protein context (NP_006197.1, residues 252-272): EVKGKGITML[Glu262Lys]EIKVPSIKLV

ClinVar aggregate classification (germline): Uncertain significance. Review status: criteria provided, multiple submitters, no conflicts (2 of 4 stars). 2 submissions from 2 submitters: Uncertain significance (2). Last evaluated 2025-08-20.

Conditions:
Gastrointestinal stromal tumor. Also called: Gastrointestinal stroma tumor; Gastrointestinal stromal tumor, somatic. Identifiers: Orphanet 44890, MedGen C0238198, MeSH D046152, MONDO:0011719, OMIM 606764, HP:0100723.
Hereditary cancer-predisposing syndrome. Also called: Tumor predisposition; Hereditary neoplastic syndrome; Hereditary Cancer Syndrome; Neoplastic Syndromes, Hereditary. Identifiers: Orphanet 140162, MedGen C0027672, MeSH D009386, MONDO:0015356.

gnomAD v4.1: 3 of 1,614,166 alleles (0.00019%); highest among the groups gnomAD compares: Non-Finnish European, 0.00025%; no homozygotes.

Submissions (2):

Ambry Genetics
Classification: Uncertain significance for Hereditary cancer-predisposing syndrome. Last evaluated: 2025-08-20. Review status: criteria provided, single submitter. Criteria: Ambry Variant Classification Scheme 2023. Collection method: clinical testing. Allele origin: germline.
Comment: The p.E262K variant (also known as c.784G>A), located in coding exon 5 of the PDGFRA gene, results from a G to A substitution at nucleotide position 784. The glutamic acid at codon 262 is replaced by lysine, an amino acid with similar properties. This amino acid position is conserved. In addition, this alteration is predicted to be tolerated by in silico analysis. Based on the available evidence, the clinical significance of this variant remains unclear.

Labcorp Genetics (formerly Invitae), Labcorp
Classification: Uncertain significance for Gastrointestinal stromal tumor. Last evaluated: 2017-08-19. Review status: criteria provided, single submitter. Criteria: Invitae Variant Classification Sherloc (09022015). Collection method: clinical testing. Allele origin: germline.
Comment: In summary, the available evidence is currently insufficient to determine the role of this variant in disease. Therefore, it has been classified as a Variant of Uncertain Significance. Algorithms developed to predict the effect of missense changes on protein structure and function (SIFT, PolyPhen-2, Align-GVGD) all suggest that this variant is likely to be tolerated, but these predictions have not been confirmed by published functional studies and their clinical significance is uncertain. This variant has not been reported in the literature in individuals with PDGFRA-related disease. This variant is not present in population databases (ExAC no frequency). This sequence change replaces glutamic acid with lysine at codon 262 of the PDGFRA protein (p.Glu262Lys). The glutamic acid residue is moderately conserved and there is a small physicochemical difference between glutamic acid and lysine.